The following is an entry in ClinVar:

ClinVar aggregate classification (germline): Uncertain significance (1 of 4 stars; one submission).

Conditions:
Inborn genetic diseases. Identifiers: MedGen C0950123, MeSH D030342.

Submission:

Ambry Genetics
Classification: Uncertain significance for Inborn genetic diseases. Last evaluated: 2025-08-19. Review status: criteria provided, single submitter. Criteria: Ambry Variant Classification Scheme 2023. Collection method: clinical testing. Allele origin: germline.
Comment: The p.P646Q variant (also known as c.1937C>A), located in coding exon 8 of the MECOM gene, results from a C to A substitution at nucleotide position 1937. The proline at codon 646 is replaced by glutamine, an amino acid with similar properties. This amino acid position is conserved. In addition, this alteration is predicted to be tolerated by in silico analysis. Based on the available evidence, the clinical significance of this variant remains unclear.

NM_004991.4(MECOM):c.1937C>A (p.Pro646Gln)

Gene: MECOM (MDS1 and EVI1 complex locus; minus strand). Cytogenetic location: 3q26.2.
Variant type: single nucleotide variant.
Coding change: c.1937C>A on transcript NM_004991.4 (MANE Select); coding-DNA position 1937, C replaced by A.
Protein change: p.Pro646Gln; replaces proline 646 with glutamine.
Molecular consequence: missense variant. On other transcripts: intron variant (2).
Genome position (GRCh38, 1-based): chr3:169,115,935, G>T on the plus strand (C>A on the coding strand, the complement: MECOM is on the minus strand). VCF-style: chr3-169115935-G-T. GRCh37 (hg19) VCF-style: chr3-168833723-G-T.
Other names: c.1568C>A, p.Pro523Gln (NM_001105077.4); c.1373C>A, p.Pro458Gln (NM_001105078.4, NM_001164000.2, NM_001205194.2 and 4 more transcripts); c.1376C>A, p.Pro459Gln (NM_001163999.2, NM_001366467.2, NM_001366468.2 and 1 more transcripts); c.1937C>A, p.Pro646Gln (NM_001366466.2); c.1133-168C>A (NM_001366473.2); c.569-168C>A (NM_001366474.2); short protein forms P523Q, P646Q, P459Q, P458Q.
Identifiers: ClinVar variation 4105854 (VCV004105854.1).
Genomic context (GRCh38, chr3:169,115,935, plus strand): 5'-GCAATAGCCTTTATAGAATCATTCACAGCTCCTGACACCGCAGTCTGCTCCTCTAAAGAT[G>T]GTGAGAAAATGGAATGATTGCTGTATTCTTTCTTATTATTTATTGAAGCCAGATTCTGAA-3'
Protein context (NP_004982.2, residues 636-656): KEYSNHSIFS[Pro646Gln]SLEEQTAVSG